The following is an entry in ClinVar:

ClinVar aggregate classification (germline): Conflicting classifications of pathogenicity. Review status: criteria provided, conflicting classifications (1 of 4 stars). 2 submissions from 2 submitters: Likely pathogenic (1); Uncertain significance (1). Last evaluated 2026-10-20.

Allele frequency attached by ClinVar (database versions not stated): gnomAD 0.00001; ExAC 0.00002; gnomAD exomes below 0.00001.
gnomAD v4.1: 5 of 1,614,082 alleles (0.00031%); highest among the groups gnomAD compares: Non-Finnish European, 0.00034%; no homozygotes.

Submissions (2):

GeneDx
Classification: Likely pathogenic. Last evaluated: 2026-10-20. Review status: criteria provided, single submitter. Criteria: GeneDx Variant Classification Process June 2021. Collection method: clinical testing. Allele origin: germline.
Comment: Not observed at significant frequency in large population cohorts (gnomAD); In silico analysis supports that this missense variant has a deleterious effect on protein structure/function; Has not been previously published as pathogenic or benign to our knowledge

Labcorp Genetics (formerly Invitae), Labcorp
Classification: Uncertain significance. Last evaluated: 2021-11-04. Review status: criteria provided, single submitter. Criteria: Invitae Variant Classification Sherloc (09022015). Collection method: clinical testing. Allele origin: germline.
Comment: This sequence change replaces glutamine, which is neutral and polar, with proline, which is neutral and non-polar, at codon 152 of the GFM1 protein (p.Gln152Pro). This variant is present in population databases (rs780319278, gnomAD 0.002%). This variant has not been reported in the literature in individuals affected with GFM1-related conditions. ClinVar contains an entry for this variant (Variation ID: 546574). Advanced modeling of protein sequence and biophysical properties (such as structural, functional, and spatial information, amino acid conservation, physicochemical variation, residue mobility, and thermodynamic stability) performed at Invitae indicates that this missense variant is expected to disrupt GFM1 protein function. In summary, the available evidence is currently insufficient to determine the role of this variant in disease. Therefore, it has been classified as a Variant of Uncertain Significance.

NM_024996.7(GFM1):c.455A>C (p.Gln152Pro)

Gene: GFM1 (G elongation factor mitochondrial 1; plus strand). Cytogenetic location: 3q25.32.
Variant type: single nucleotide variant.
Coding change: c.455A>C on transcript NM_024996.7 (MANE Select); coding-DNA position 455, A replaced by C.
Protein change: p.Gln152Pro; replaces glutamine 152 with proline.
Molecular consequence: missense variant. On other transcripts: non-coding transcript variant (3), intron variant (4).
Genome position (GRCh38, 1-based): chr3:158,646,830, A>C. VCF-style: chr3-158646830-A-C. GRCh37 (hg19) VCF-style: chr3-158364619-A-C.
Other names: c.455A>C, p.Gln152Pro (NM_001308164.2, NM_001308166.2, NM_001374355.1 and 1 more transcripts); c.230A>C, p.Gln77Pro (NM_001374357.1); c.5+1049A>C (NM_001374359.1, NM_001374360.1, NM_001374361.1); c.234+1049A>C (NM_001374358.1); short protein forms Q152P, Q77P.
Identifiers: ClinVar variation 546574 (VCV000546574.8), dbSNP rs780319278, ClinGen allele CA2682335.